The following is an entry in ClinVar:

ClinVar aggregate classification (germline): Uncertain significance (1 of 4 stars; one submission).

Conditions:
Primary ciliary dyskinesia. Also called: Ciliary dyskinesia. Identifiers: Orphanet 244, MedGen C0008780, MONDO:0016575, HP:0012265.

Allele frequency attached by ClinVar (database versions not stated): ExAC 0.00003; gnomAD exomes 0.00004 and 0.00006; gnomAD 0.00006; TOPMed 0.00009; ESP Exome Variant Server 0.00023.
gnomAD v4.1: 98 of 1,614,066 alleles (0.0061%); highest among the groups gnomAD compares: Non-Finnish European, 0.0072%; no homozygotes.

Submission:

Labcorp Genetics (formerly Invitae), Labcorp
Classification: Uncertain significance for Primary ciliary dyskinesia. Last evaluated: 2021-08-31. Review status: criteria provided, single submitter. Criteria: Invitae Variant Classification Sherloc (09022015). Collection method: clinical testing. Allele origin: germline.
Comment: This sequence change replaces serine with leucine at codon 371 of the DRC1 protein (p.Ser371Leu). The serine residue is weakly conserved and there is a large physicochemical difference between serine and leucine. This variant is present in population databases (rs368859380, ExAC 0.01%). This variant has not been reported in the literature in individuals affected with DRC1-related conditions. Algorithms developed to predict the effect of missense changes on protein structure and function output the following: SIFT: "Tolerated"; PolyPhen-2: "Benign"; Align-GVGD: "Class C0". The leucine amino acid residue is found in multiple mammalian species, which suggests that this missense change does not adversely affect protein function. In summary, the available evidence is currently insufficient to determine the role of this variant in disease. Therefore, it has been classified as a Variant of Uncertain Significance.

NM_145038.5(DRC1):c.1112C>T (p.Ser371Leu)

Gene: DRC1 (dynein regulatory complex subunit 1; plus strand). Cytogenetic location: 2p23.3.
Variant type: single nucleotide variant.
Coding change: c.1112C>T on transcript NM_145038.5 (MANE Select); coding-DNA position 1112, C replaced by T.
Protein change: p.Ser371Leu; replaces serine 371 with leucine.
Molecular consequence: missense variant.
Genome position (GRCh38, 1-based): chr2:26,444,305, C>T. VCF-style: chr2-26444305-C-T. GRCh37 (hg19) VCF-style: chr2-26667173-C-T.
Other names: short protein forms S371L.
Identifiers: ClinVar variation 454976 (VCV000454976.6), dbSNP rs368859380, ClinGen allele CA1562137.